The following is an entry in ClinVar:

ClinVar aggregate classification (germline): Uncertain significance. Review status: criteria provided, multiple submitters, no conflicts (2 of 4 stars). 2 submissions from 2 submitters: Uncertain significance (2). Last evaluated 2024-11-10.

Conditions:
Inborn genetic diseases. Identifiers: MedGen C0950123, MeSH D030342.

Allele frequency attached by ClinVar (database versions not stated): ESP Exome Variant Server 0.00008; ExAC 0.00015; gnomAD 0.00021; TOPMed 0.00021.
gnomAD v4.1: 461 of 1,608,868 alleles (0.029%); highest among the groups gnomAD compares: Non-Finnish European, 0.036%; no homozygotes.

Submissions (2):

Ambry Genetics
Classification: Uncertain significance for Inborn genetic diseases. Last evaluated: 2024-11-10. Review status: criteria provided, single submitter. Criteria: Ambry Variant Classification Scheme 2023. Collection method: clinical testing. Allele origin: germline.

CeGaT Center for Human Genetics Tuebingen
Classification: Uncertain significance. Last evaluated: 2024-11-01. Review status: criteria provided, single submitter. Criteria: CeGaT Center For Human Genetics Tuebingen Variant Classification Criteria Version 2. Collection method: clinical testing. Allele origin: germline. Affected: yes. Observed: 1 variant allele.
Comment: MIA3: PM2, BP4

NM_198551.4(MIA3):c.5426G>A (p.Arg1809His)

Gene: MIA3 (MIA SH3 domain ER export factor 3; plus strand). Cytogenetic location: 1q41.
Variant type: single nucleotide variant.
Coding change: c.5426G>A on transcript NM_198551.4 (MANE Select); coding-DNA position 5426, G replaced by A.
Protein change: p.Arg1809His; replaces arginine 1809 with histidine.
Molecular consequence: missense variant.
Genome position (GRCh38, 1-based): chr1:222,665,321, G>A. VCF-style: chr1-222665321-G-A. GRCh37 (hg19) VCF-style: chr1-222838663-G-A.
Other names: c.2060G>A, p.Arg687His (NM_001300867.2); c.5498G>A, p.Arg1833His (NM_001324062.2); c.5249G>A, p.Arg1750His (NM_001324063.2); c.4934G>A, p.Arg1645His (NM_001324064.2); c.2132G>A, p.Arg711His (NM_001324065.2); short protein forms R687H, R711H, R1645H, R1809H, R1833H, R1750H.
Identifiers: ClinVar variation 2350479 (VCV002350479.17), dbSNP rs199708368, ClinGen allele CA1407737.
Genomic context (GRCh38, chr1:222,665,321, plus strand): 5'-TTTAAATACGTTCCTAGGAATTTACTGGAAATAATTTTTGTTTTCCAGGCCCTGGTATGC[G>A]TCCACCACTAGGCTTAAGAGAATTTGCACCAGGCGTTCCACCAGGAAGACGGGACCTGCC-3'
Protein context (NP_940953.2, residues 1799-1819): PLPPPFGPGM[Arg1809His]PPLGLREFAP